The following is an entry in ClinVar:

ClinVar aggregate classification (germline): Uncertain significance (1 of 4 stars; one submission).

gnomAD v4.1: 1 of 1,587,276 alleles (0.000063%); highest among the groups gnomAD compares: Non-Finnish European, 0.000086%; no homozygotes.

Submission:

Dasa
Classification: Uncertain significance. Last evaluated: 2025-02-24. Review status: criteria provided, single submitter. Criteria: DASA Assertion Criteria. Collection method: clinical testing. Allele origin: germline.
Comment: NM_014727.3(KMT2B):c.1807A>G (p.Ile603Val) is a missense variant that results in the substitution of isoleucine with valine. This variant is rare in population databases. Computational prediction algorithms are consistent with a benign effect. The currently available literature and clinical evidence are not sufficient to establish a definitive association between this variant and the reported condition. Therefore, this variant is classified as a variant of uncertain significance.

NM_014727.3(KMT2B):c.1807A>G (p.Ile603Val)

Gene: KMT2B (lysine methyltransferase 2B; plus strand). Cytogenetic location: 19q13.12.
Variant type: single nucleotide variant.
Coding change: c.1807A>G on transcript NM_014727.3 (MANE Select); coding-DNA position 1807, A replaced by G.
Protein change: p.Ile603Val; replaces isoleucine 603 with valine.
Molecular consequence: missense variant.
Genome position (GRCh38, 1-based): chr19:35,721,154, A>G. VCF-style: chr19-35721154-A-G. GRCh37 (hg19) VCF-style: chr19-36212056-A-G.
Other names: short protein forms I603V.
Identifiers: ClinVar variation 4883624 (VCV004883624.2).